The following is an entry in ClinVar:

NM_001368067.1(LDB3):c.326T>G (p.Val109Gly)

Genes: LDB3 (LIM domain binding 3; plus strand), LOC110121486 (VISTA enhancer hs2143; plus strand). Cytogenetic location: 10q23.2.
Variant type: single nucleotide variant.
Coding change: c.326T>G on transcript NM_001368067.1 (MANE Plus Clinical); coding-DNA position 326, T replaced by G.
Protein change: p.Val109Gly; replaces valine 109 with glycine.
Molecular consequence: missense variant. On other transcripts: intron variant (7).
Genome position (GRCh38, 1-based): chr10:86,685,682, T>G. VCF-style: chr10-86685682-T-G. GRCh37 (hg19) VCF-style: chr10-88445439-T-G.
Other names: c.326T>G, p.Val109Gly (NM_001080114.2, NM_001080116.1, NM_001368066.1 and 1 more transcripts); c.689+3879T>G (NM_001368064.1, NM_001368063.1, NM_007078.3 and 2 more transcripts); c.690-1387T>G (NM_001171610.2, NM_001171611.2); short protein forms V109G.
Identifiers: ClinVar variation 1061964 (VCV001061964.9), dbSNP rs2132390366, ClinGen allele CA377440906.

ClinVar aggregate classification (germline): Uncertain significance (1 of 4 stars; one submission).

Conditions:
Myofibrillar myopathy 4. Also called: Zaspopathy (type). Identifiers: Orphanet 98912, MedGen C4721886, MONDO:0012277, OMIM 609452.

Allele frequency attached by ClinVar (database versions not stated): gnomAD exomes below 0.00001.
gnomAD v4.1: 2 of 1,614,136 alleles (0.00012%); highest among the groups gnomAD compares: Non-Finnish European, 0.00017%; no homozygotes.

Submission:

Labcorp Genetics (formerly Invitae), Labcorp
Classification: Uncertain significance for Myofibrillar myopathy 4. Last evaluated: 2020-06-26. Review status: criteria provided, single submitter. Criteria: Invitae Variant Classification Sherloc (09022015). Collection method: clinical testing. Allele origin: germline.
Comment: This sequence change replaces valine with glycine at codon 109 of the LDB3 protein (p.Val109Gly). The valine residue is weakly conserved and there is a moderate physicochemical difference between valine and glycine. This variant is not present in population databases (ExAC no frequency). This variant has not been reported in the literature in individuals with LDB3-related conditions. Algorithms developed to predict the effect of missense changes on protein structure and function (SIFT, PolyPhen-2, Align-GVGD) all suggest that this variant is likely to be tolerated, but these predictions have not been confirmed by published functional studies and their clinical significance is uncertain. Algorithms developed to predict the effect of sequence changes on RNA splicing suggest that this variant may create or strengthen a splice site, but this prediction has not been confirmed by published transcriptional studies. In summary, the available evidence is currently insufficient to determine the role of this variant in disease. Therefore, it has been classified as a Variant of Uncertain Significance.